The following is an entry in ClinVar:

ClinVar aggregate classification (germline): Uncertain significance. Review status: criteria provided, multiple submitters, no conflicts (2 of 4 stars). 3 submissions from 3 submitters: Uncertain significance (3). Last evaluated 2025-11-10.

Allele frequency attached by ClinVar (database versions not stated): gnomAD exomes below 0.00001 and 0.00001; gnomAD 0.00001; ExAC 0.00002; ESP Exome Variant Server 0.00008.
gnomAD v4.1: 10 of 1,613,438 alleles (0.00062%); highest among the groups gnomAD compares: East Asian, 0.0022%; no homozygotes.

Submissions (3):

Labcorp Genetics (formerly Invitae), Labcorp
Classification: Uncertain significance. Last evaluated: 2025-11-10. Review status: criteria provided, single submitter. Criteria: Invitae Variant Classification Sherloc (09022015). Collection method: clinical testing. Allele origin: germline.
Comment: This sequence change replaces glycine, which is neutral and non-polar, with arginine, which is basic and polar, at codon 1074 of the IMPG2 protein (p.Gly1074Arg). This variant is present in population databases (rs372888521, gnomAD 0.004%). This missense change has been observed in individual(s) with clinical features of IMPG2-related conditions and/or retinitis pigmentosa (PMID: 37734845; internal data). ClinVar contains an entry for this variant (Variation ID: 872084). Invitae Evidence Modeling of protein sequence and biophysical properties (such as structural, functional, and spatial information, amino acid conservation, physicochemical variation, residue mobility, and thermodynamic stability) indicates that this missense variant is expected to disrupt IMPG2 protein function with a positive predictive value of 80%. In summary, the available evidence is currently insufficient to determine the role of this variant in disease. Therefore, it has been classified as a Variant of Uncertain Significance.

Blueprint Genetics
Classification: Uncertain significance. Last evaluated: 2022-09-02. Review status: criteria provided, single submitter. Criteria: ACMG Guidelines, 2015. Collection method: clinical testing. Allele origin: germline.

CeGaT Center for Human Genetics Tuebingen
Classification: Uncertain significance. Last evaluated: 2020-06-01. Review status: criteria provided, single submitter. Criteria: CeGaT Center For Human Genetics Tuebingen Variant Classification Criteria Version 2. Collection method: clinical testing. Allele origin: germline. Affected: yes. Observed: 2 variant alleles.

Literature cited by the submitters: PubMed 37734845 (cited by Labcorp Genetics (formerly Invitae), Labcorp).

NM_016247.4(IMPG2):c.3220G>A (p.Gly1074Arg)

Gene: IMPG2 (interphotoreceptor matrix proteoglycan 2; minus strand). Cytogenetic location: 3q12.3.
Variant type: single nucleotide variant.
Coding change: c.3220G>A on transcript NM_016247.4 (MANE Select); coding-DNA position 3220, G replaced by A.
Protein change: p.Gly1074Arg; replaces glycine 1074 with arginine.
Molecular consequence: missense variant.
Genome position (GRCh38, 1-based): chr3:101,232,794, C>T on the plus strand (G>A on the coding strand, the complement: IMPG2 is on the minus strand). VCF-style: chr3-101232794-C-T. GRCh37 (hg19) VCF-style: chr3-100951638-C-T.
Other names: short protein forms G1074R.
Identifiers: ClinVar variation 872084 (VCV000872084.48), dbSNP rs372888521, ClinGen allele CA2518815.